The following is an entry in ClinVar:

NM_014283.5(SUCO):c.3610C>T (p.Arg1204Ter)

Gene: SUCO (SUN domain containing ossification factor; plus strand). Cytogenetic location: 1q24.3.
Variant type: single nucleotide variant.
Coding change: c.3610C>T on transcript NM_014283.5 (MANE Select); coding-DNA position 3610, C replaced by T.
Protein change: p.Arg1204Ter; replaces arginine 1204 with a stop codon.
Molecular consequence: nonsense.
Genome position (GRCh38, 1-based): chr1:172,610,104, C>T. VCF-style: chr1-172610104-C-T. GRCh37 (hg19) VCF-style: chr1-172579244-C-T.
Other names: c.2497C>T, p.Arg833Ter (NM_001282750.2); c.1921C>T, p.Arg641Ter (NM_001282751.2); c.4063C>T, p.Arg1355Ter (NM_016227.4); short protein forms R833*, R1204*, R1355*, R641*.
Identifiers: ClinVar variation 2064257 (VCV002064257.2), dbSNP rs151013343, ClinGen allele CA1247381.

ClinVar aggregate classification (germline): Uncertain significance (1 of 4 stars; one submission).

Allele frequency attached by ClinVar (database versions not stated): ExAC 0.00005; TOPMed 0.00012; gnomAD 0.00013; gnomAD exomes 0.00016; ESP Exome Variant Server 0.00023.
gnomAD v4.1: 257 of 1,613,622 alleles (0.016%); highest among the groups gnomAD compares: Non-Finnish European, 0.021%; no homozygotes.

Submission:

Labcorp Genetics (formerly Invitae), Labcorp
Classification: Uncertain significance. Last evaluated: 2023-06-23. Review status: criteria provided, single submitter. Criteria: Invitae Variant Classification Sherloc (09022015). Collection method: clinical testing. Allele origin: germline.
Comment: In summary, the available evidence is currently insufficient to determine the role of this variant in disease. Therefore, it has been classified as a Variant of Uncertain Significance. ClinVar contains an entry for this variant (Variation ID: 2064257). This variant has not been reported in the literature in individuals affected with SUCO-related conditions. This variant is present in population databases (rs151013343, gnomAD 0.01%). This sequence change creates a premature translational stop signal (p.Arg1204*) in the SUCO gene. While this is not anticipated to result in nonsense mediated decay, it is expected to disrupt the last 51 amino acid(s) of the SUCO protein.